The following is an entry in ClinVar:

ClinVar aggregate classification (germline): Uncertain significance. Review status: criteria provided, multiple submitters, no conflicts (2 of 4 stars). 3 submissions from 3 submitters: Uncertain significance (3). Last evaluated 2025-12-16.

Conditions:
Hereditary nonpolyposis colorectal neoplasms. Identifiers: MedGen C0009405, MeSH D003123.
Hereditary cancer-predisposing syndrome. Also called: Neoplastic Syndromes, Hereditary; Hereditary neoplastic syndrome; Tumor predisposition; Hereditary Cancer Syndrome. Identifiers: Orphanet 140162, MedGen C0027672, MeSH D009386, MONDO:0015356.

Submissions (3):

Ambry Genetics
Classification: Uncertain significance for Hereditary cancer-predisposing syndrome. Last evaluated: 2025-12-16. Review status: criteria provided, single submitter. Criteria: Ambry Variant Classification Scheme 2023. Collection method: clinical testing. Allele origin: germline.
Comment: The p.N432K variant (also known as c.1296C>G), located in coding exon 11 of the PMS2 gene, results from a C to G substitution at nucleotide position 1296. The asparagine at codon 432 is replaced by lysine, an amino acid with similar properties. This amino acid position is poorly conserved in available vertebrate species. In addition, this alteration is predicted to be tolerated by in silico analysis. Since supporting evidence is limited at this time, the clinical significance of this alteration remains unclear.

Color Diagnostics, LLC DBA Color Health
Classification: Uncertain significance for Hereditary cancer-predisposing syndrome. Last evaluated: 2023-12-05. Review status: criteria provided, single submitter. Criteria: ACMG Guidelines, 2015. Collection method: clinical testing. Allele origin: germline.
Comment: This missense variant replaces asparagine with lysine at codon 432 of the PMS2 protein. Computational prediction suggests that this variant may not impact protein structure and function (internally defined REVEL score threshold <= 0.5, PMID: 27666373). To our knowledge, functional studies have not been reported for this variant. This variant has not been reported in individuals affected with PMS2-related disorders in the literature. This variant has not been identified in the general population by the Genome Aggregation Database (gnomAD). The available evidence is insufficient to determine the role of this variant in disease conclusively. Therefore, this variant is classified as a Variant of Uncertain Significance.

Labcorp Genetics (formerly Invitae), Labcorp
Classification: Uncertain significance for Hereditary nonpolyposis colorectal neoplasms. Last evaluated: 2022-01-06. Review status: criteria provided, single submitter. Criteria: Invitae Variant Classification Sherloc (09022015). Collection method: clinical testing. Allele origin: germline.
Comment: ClinVar contains an entry for this variant (Variation ID: 628629). This variant has not been reported in the literature in individuals affected with PMS2-related conditions. This variant is not present in population databases (gnomAD no frequency). This sequence change replaces asparagine, which is neutral and polar, with lysine, which is basic and polar, at codon 432 of the PMS2 protein (p.Asn432Lys). Advanced modeling of protein sequence and biophysical properties (such as structural, functional, and spatial information, amino acid conservation, physicochemical variation, residue mobility, and thermodynamic stability) performed at Invitae indicates that this missense variant is not expected to disrupt PMS2 protein function. In summary, the available evidence is currently insufficient to determine the role of this variant in disease. Therefore, it has been classified as a Variant of Uncertain Significance.

NM_000535.7(PMS2):c.1296C>G (p.Asn432Lys)

Gene: PMS2 (PMS1 homolog 2, mismatch repair system component; minus strand). Cytogenetic location: 7p22.1.
Variant type: single nucleotide variant.
Coding change: c.1296C>G on transcript NM_000535.7 (MANE Select); coding-DNA position 1296, C replaced by G.
Protein change: p.Asn432Lys; replaces asparagine 432 with lysine.
Molecular consequence: missense variant. On other transcripts: non-coding transcript variant (1).
Genome position (GRCh38, 1-based): chr7:5,987,469, G>C on the plus strand (C>G on the coding strand, the complement: PMS2 is on the minus strand). VCF-style: chr7-5987469-G-C. GRCh37 (hg19) VCF-style: chr7-6027100-G-C.
Other names: c.891C>G, p.Asn297Lys (NM_001322003.2, NM_001322004.2, NM_001322005.2 and 1 more transcripts); c.1140C>G, p.Asn380Lys (NM_001322006.2); c.978C>G, p.Asn326Lys (NM_001322007.2, NM_001322008.2); c.735C>G, p.Asn245Lys (NM_001322010.2); c.363C>G, p.Asn121Lys (NM_001322011.2, NM_001322012.2); c.723C>G, p.Asn241Lys (NM_001322013.2); c.1296C>G, p.Asn432Lys (NM_001322014.2); c.987C>G, p.Asn329Lys (NM_001322015.2); short protein forms N432K, N380K, N121K, N245K, N297K, N241K, N326K, N329K.
Identifiers: ClinVar variation 628629 (VCV000628629.13), dbSNP rs1562635023, ClinGen allele CA366742391.
Genomic context (GRCh38, chr7:5,987,469, plus strand): 5'-ACCCCTTTTCTGTCCTAGAGGGCTCCTTCTTGGTTCTGGAGTCTTTGGGCTGTGAGGCTT[G>C]TTCTCTGTTGTGTGACGAAGAGAAAAGGCCTCTCGCAGTCTGGAAATGGACACGTCTTTT-3'
Protein context (NP_000526.2, residues 422-442): EAFSLRHTTE[Asn432Lys]KPHSPKTPEP